The following is an entry in ClinVar:

ClinVar aggregate classification (germline): Uncertain significance. Review status: criteria provided, multiple submitters, no conflicts (2 of 4 stars). 2 submissions from 2 submitters: Uncertain significance (2). Last evaluated 2025-08-09.

Conditions:
Inborn genetic diseases. Identifiers: MedGen C0950123, MeSH D030342.

Allele frequency attached by ClinVar (database versions not stated): gnomAD exomes 0.00001.
gnomAD v4.1: 11 of 1,614,154 alleles (0.00068%); highest among the groups gnomAD compares: South Asian, 0.0033%; no homozygotes.

Submissions (2):

GeneDx
Classification: Uncertain significance. Last evaluated: 2025-08-09. Review status: criteria provided, single submitter. Criteria: GeneDx Variant Classification Process June 2021. Collection method: clinical testing. Allele origin: germline. Affected: yes.
Comment: Not observed at significant frequency in large population cohorts (gnomAD); In silico analysis suggests that this missense variant does not alter protein structure/function; In silico analysis suggests this variant may impact gene splicing. In the absence of RNA/functional studies, the actual effect of this sequence change is unknown.; Has not been previously published as pathogenic or benign to our knowledge

Ambry Genetics
Classification: Uncertain significance for Inborn genetic diseases. Last evaluated: 2023-01-18. Review status: criteria provided, single submitter. Criteria: Ambry Variant Classification Scheme 2023. Collection method: clinical testing. Allele origin: germline.

NM_016356.5(DCDC2):c.1136G>A (p.Arg379Lys)

Gene: DCDC2 (doublecortin domain containing 2; minus strand). Cytogenetic location: 6p22.3.
Variant type: single nucleotide variant.
Coding change: c.1136G>A on transcript NM_016356.5 (MANE Select); coding-DNA position 1136, G replaced by A.
Protein change: p.Arg379Lys; replaces arginine 379 with lysine.
Molecular consequence: missense variant.
Genome position (GRCh38, 1-based): chr6:24,178,520, C>T on the plus strand (G>A on the coding strand, the complement: DCDC2 is on the minus strand). VCF-style: chr6-24178520-C-T. GRCh37 (hg19) VCF-style: chr6-24178748-C-T.
Other names: c.1136G>A, p.Arg379Lys (NM_001195610.2); c.1136G>A (NM_016356.4); short protein forms R379K.
Identifiers: ClinVar variation 2469909 (VCV002469909.3), dbSNP rs986382887, ClinGen allele CA136622216.